The following is an entry in ClinVar:

ClinVar aggregate classification (germline): Uncertain significance (1 of 4 stars; one submission).

Conditions:
TTC8-related disorder. Also called: TTC8-related condition.

gnomAD v4.1: 1 of 1,611,350 alleles (0.000062%); highest among the groups gnomAD compares: African/African-American, 0.0013%; no homozygotes.

Submission:

PreventionGenetics, part of Exact Sciences
Classification: Uncertain significance for TTC8-related condition. Last evaluated: 2025-10-07. Review status: criteria provided, single submitter. Criteria: ACMG Guidelines, 2015. Collection method: clinical testing. Allele origin: germline.
Comment: The TTC8 c.1421T>C variant is predicted to result in the amino acid substitution p.Ile474Thr. To our knowledge, this variant has not been reported in the literature. This variant is reported in 0.011% of alleles in individuals of African descent in gnomAD. At this time, the clinical significance of this variant is uncertain due to the absence of conclusive functional and genetic evidence.

NM_144596.4(TTC8):c.1421T>C (p.Ile474Thr)

Gene: TTC8 (tetratricopeptide repeat domain 8; plus strand). Cytogenetic location: 14q31.3.
Variant type: single nucleotide variant.
Coding change: c.1421T>C on transcript NM_144596.4 (MANE Select); coding-DNA position 1421, T replaced by C.
Protein change: p.Ile474Thr; replaces isoleucine 474 with threonine.
Molecular consequence: missense variant. On other transcripts: non-coding transcript variant (1), intron variant (2).
Genome position (GRCh38, 1-based): chr14:88,875,099, T>C. VCF-style: chr14-88875099-T-C. GRCh37 (hg19) VCF-style: chr14-89341443-T-C.
Other names: c.1469T>C, p.Ile490Thr (NM_001288781.1); c.827T>C, p.Ile276Thr (NM_001288782.1); c.704T>C, p.Ile235Thr (NM_001288783.1); c.1391T>C, p.Ile464Thr (NM_198309.3); c.1301T>C, p.Ile434Thr (NM_198310.3); c.1318-2195T>C (NM_001366535.2); c.1228-2195T>C (NM_001366536.2); short protein forms I434T, I464T, I276T, I474T, I490T, I235T.
Identifiers: ClinVar variation 4983496 (VCV004983496.1).